The following is an entry in ClinVar:

NM_021252.5(RAB18):c.460del (p.Thr154fs)

Gene: RAB18 (RAB18, member RAS oncogene family; plus strand). Cytogenetic location: 10p12.1.
Variant type: Deletion.
Coding change: c.460del on transcript NM_021252.5 (MANE Select); coding-DNA position 460, one base deleted (A; older notation c.460delA).
Protein change: p.Thr154fs; shifts the reading frame from threonine 154.
Molecular consequence: frameshift variant. On other transcripts: non-coding transcript variant (1).
Genome position (GRCh38, 1-based): chr10:27,537,890, A deleted; the last of 5 consecutive A bases (chr10:27,537,886-27,537,890); deleting any one gives the same sequence. VCF-style (leftmost placement, unchanged base first): chr10-27537885-CA-C. GRCh37 (hg19) VCF-style: chr10-27826814-CA-C.
Other names: c.547del, p.Thr183fs (NM_001256410.2); c.393del, p.Lys131fs (NM_001256411.2); c.268del, p.Thr90fs (NM_001256412.2); c.460del (NM_021252.4); short protein forms K131fs, T154fs, T183fs, T90fs.
Identifiers: ClinVar variation 3777096 (VCV003777096.1).

ClinVar aggregate classification (germline): Likely pathogenic (1 of 4 stars; one submission).

Conditions:
Warburg micro syndrome 3 (WARBM3). Also called: MICRO SYNDROME 3. Identifiers: Orphanet 2510, MedGen C3280203, MONDO:0013638, OMIM 614222.

Submission:

University of Washington Department of Laboratory Medicine, University of Washington
Classification: Likely pathogenic for Warburg micro syndrome 3. Last evaluated: 2021-09-08. Review status: criteria provided, single submitter. Criteria: ACMG Guidelines, 2015. Collection method: clinical testing. Allele origin: maternal. Affected: yes.
Comment: This variant results in a single base pair deletion in the last exon (exon 7) of the RAB18 gene, which causes a shift in the protein reading frame, leading to a termination codon 67 amino acids downstream. Termination at this location is not predicted to cause nonsense-mediated decay; however, approximately 20-25% of the protein is impacted by this change, which is likely deleterious to RAB18 function. These predictions have not been tested directly. Using ACMG guidelines, this variant was classified as likely pathogenic for autosomal recessive RAB18 deficiency (ACMG evidence codes used: PVS1_strong, PM2_supporting, PP4).